The following is an entry in ClinVar:

ClinVar aggregate classification (germline): Likely benign (1 of 4 stars; one submission).

Conditions:
SCAMP5-related condition.

gnomAD v4.1: 28 of 1,613,728 alleles (0.0017%); highest among the groups gnomAD compares: Admixed American, 0.017%; no homozygotes.

Submission:

PreventionGenetics, part of Exact Sciences
Classification: Likely benign for SCAMP5-related condition. Last evaluated: 2025-10-31. Review status: criteria provided, single submitter. Criteria: ACMG Guidelines, 2015. Collection method: clinical testing. Allele origin: germline.
Comment: This variant is classified as likely benign based on ACMG/AMP sequence variant interpretation guidelines (Richards et al. 2015 PMID: 25741868, with internal and published modifications).

NM_138967.4(SCAMP5):c.177C>T (p.Leu59=)

Gene: SCAMP5 (secretory carrier membrane protein 5; plus strand). Cytogenetic location: 15q24.2.
Variant type: single nucleotide variant.
Coding change: c.177C>T on transcript NM_138967.4 (MANE Select); coding-DNA position 177, C replaced by T.
Protein change: p.Leu59=; no amino-acid change (leucine 59 retained).
Molecular consequence: synonymous variant.
Genome position (GRCh38, 1-based): chr15:75,016,633, C>T. VCF-style: chr15-75016633-C-T. GRCh37 (hg19) VCF-style: chr15-75308974-C-T.
Other names: c.177C>T, p.Leu59= (NM_001178111.2, NM_001178112.2).
Identifiers: ClinVar variation 4987015 (VCV004987015.1).